The following is an entry in ClinVar:

ClinVar aggregate classification (germline): Benign/Likely benign. Review status: criteria provided, multiple submitters, no conflicts (2 of 4 stars). 4 submissions from 4 submitters: Benign (1); Likely benign (3). Last evaluated 2026-02-02.

Allele frequency attached by ClinVar (database versions not stated): gnomAD 0.00004 and 0.00005; 1000 Genomes Project 30x 0.00016; 1000 Genomes Project 0.00020; gnomAD exomes 0.00020; ExAC 0.00027.
gnomAD v4.1: 171 of 1,584,462 alleles (0.011%); highest among the groups gnomAD compares: South Asian, 0.092%; 1 homozygote.

Submissions (4):

Labcorp Genetics (formerly Invitae), Labcorp
Classification: Likely benign. Last evaluated: 2026-02-02. Review status: criteria provided, single submitter. Criteria: Invitae Variant Classification Sherloc (09022015). Collection method: clinical testing. Allele origin: germline.

Mayo Clinic Laboratories, Mayo Clinic
Classification: Likely benign. Last evaluated: 2025-08-06. Review status: criteria provided, single submitter. Criteria: ACMG Guidelines, 2015. Collection method: clinical testing. Allele origin: germline. Observed: 1 variant allele.
Comment: BP4, BP7

Women's Health and Genetics/Laboratory Corporation of America, LabCorp
Classification: Benign. Last evaluated: 2025-05-23. Review status: criteria provided, single submitter. Criteria: LabCorp Variant Classification Summary - May 2015. Collection method: clinical testing. Allele origin: germline.
Comment: Variant summary: MCM3AP c.3033C>T (p.Gly1011Gly) alters a non-conserved nucleotide located close to a canonical splice site and therefore could affect mRNA splicing, leading to a significantly altered protein sequence. Several computational tools predict a significant impact on normal splicing: Two predict the variant creates a 5' donor site. Two predict the variant strengthens a 3' acceptor site. One predict the variant no significant impact on splicing. However, these predictions have yet to be confirmed by functional studies. The variant allele was found at a frequency of 0.0002 in 220024 control chromosomes, predominantly at a frequency of 0.0013 within the South Asian subpopulation in the gnomAD database. The observed variant frequency within South Asian control individuals in the gnomAD database is approximately 1.16 fold of the estimated maximal expected allele frequency for a pathogenic variant in MCM3AP causing Peripheral neuropathy, autosomal recessive, with or without impaired intellectual development phenotype (0.0011). To our knowledge, no occurrence of c.3033C>T in individuals affected with Peripheral neuropathy, autosomal recessive, with or without impaired intellectual development and no experimental evidence demonstrating its impact on protein function have been reported. ClinVar contains an entry for this variant (Variation ID: 1656228). Based on the evidence outlined above, the variant was classified as benign.

Blueprint Genetics
Classification: Likely benign. Last evaluated: 2024-11-06. Review status: criteria provided, single submitter. Criteria: ACMG Guidelines, 2015. Collection method: clinical testing. Allele origin: germline.

NM_003906.5(MCM3AP):c.3033C>T (p.Gly1011=)

Gene: MCM3AP (minichromosome maintenance complex component 3 associated protein; minus strand). Cytogenetic location: 21q22.3.
Variant type: single nucleotide variant.
Coding change: c.3033C>T on transcript NM_003906.5 (MANE Select); coding-DNA position 3033, C replaced by T.
Protein change: p.Gly1011=; no amino-acid change (glycine 1011 retained).
Molecular consequence: synonymous variant.
Genome position (GRCh38, 1-based): chr21:46,265,522, G>A on the plus strand (C>T on the coding strand, the complement: MCM3AP is on the minus strand). VCF-style: chr21-46265522-G-A. GRCh37 (hg19) VCF-style: chr21-47685436-G-A.
Other names: p.Gly1011=.
Identifiers: ClinVar variation 1656228 (VCV001656228.11), dbSNP rs548479623, ClinGen allele CA10076640.